The following is an entry in ClinVar:

ClinVar aggregate classification (germline): Uncertain significance (1 of 4 stars; one submission).

Conditions:
Holoprosencephaly 9 (HPE9). Also called: HOLOPROSENCEPHALY WITH MICROPHTHALMIA AND FIRST BRANCHIAL ARCH ANOMALIES; PITUITARY ANOMALIES WITH HOLOPROSENCEPHALY-LIKE FEATURES. Identifiers: Orphanet 2162, MedGen C1835819, MONDO:0012563, OMIM 610829.
Postaxial polydactyly-anterior pituitary anomalies-facial dysmorphism syndrome. Also called: Culler-Jones syndrome. Identifiers: Orphanet 420584, MedGen C4014479, MONDO:0014369, OMIM 615849.

gnomAD v4.1: 1 of 1,612,278 alleles (0.000062%); highest among the groups gnomAD compares: Admixed American, 0.0017%; no homozygotes.

Submission:

Labcorp Genetics (formerly Invitae), Labcorp
Classification: Uncertain significance for Postaxial polydactyly-anterior pituitary anomalies-facial dysmorphism syndrome; Holoprosencephaly 9. Last evaluated: 2024-08-22. Review status: criteria provided, single submitter. Criteria: Invitae Variant Classification Sherloc (09022015). Collection method: clinical testing. Allele origin: germline.
Comment: This sequence change replaces aspartic acid, which is acidic and polar, with asparagine, which is neutral and polar, at codon 1059 of the GLI2 protein (p.Asp1059Asn). This variant is present in population databases (rs762818312, gnomAD 0.006%). This variant has not been reported in the literature in individuals affected with GLI2-related conditions. Invitae Evidence Modeling of protein sequence and biophysical properties (such as structural, functional, and spatial information, amino acid conservation, physicochemical variation, residue mobility, and thermodynamic stability) indicates that this missense variant is expected to disrupt GLI2 protein function with a positive predictive value of 80%. In summary, the available evidence is currently insufficient to determine the role of this variant in disease. Therefore, it has been classified as a Variant of Uncertain Significance.

NM_001374353.1(GLI2):c.3124G>A (p.Asp1042Asn)

Gene: GLI2 (GLI family zinc finger 2; plus strand). Cytogenetic location: 2q14.2.
Variant type: single nucleotide variant.
Coding change: c.3124G>A on transcript NM_001374353.1 (MANE Select); coding-DNA position 3124, G replaced by A.
Protein change: p.Asp1042Asn; replaces aspartic acid 1042 with asparagine.
Molecular consequence: missense variant.
Genome position (GRCh38, 1-based): chr2:120,989,089, G>A. VCF-style: chr2-120989089-G-A. GRCh37 (hg19) VCF-style: chr2-121746665-G-A.
Other names: c.3175G>A, p.Asp1059Asn (NM_001371271.1, NM_005270.5); c.2749G>A, p.Asp917Asn (NM_001374354.1); short protein forms D1042N, D1059N, D917N.
Identifiers: ClinVar variation 3748654 (VCV003748654.2).
Genomic context (GRCh38, chr2:120,989,089, plus strand): 5'-GCCGTGGCGGCAGGAGTGGACGGCGCGGGGCCCGAGGCCGACCTGGGGCTGCCGGAGGAC[G>A]ACCTGGTGCTTCCAGACGACGTGGTGCAGTACATCAAGGCGCACGCCAGTGGCGCTCTGG-3'
Protein context (NP_001361282.1, residues 1032-1052): PEADLGLPED[Asp1042Asn]LVLPDDVVQY